The following is an entry in ClinVar:

ClinVar aggregate classification (germline): Uncertain significance (1 of 4 stars; one submission).

Conditions:
Cardiomyopathy (CMYO). Also called: Cardiomyopathies. Identifiers: Orphanet 167848, MedGen C0878544, MONDO:0004994, HP:0001638. Inheritance: Various modes of inheritance.

Submission:

Color Diagnostics, LLC DBA Color Health
Classification: Uncertain significance for Cardiomyopathy. Last evaluated: 2024-06-17. Review status: criteria provided, single submitter. Criteria: ACMG Guidelines, 2015. Collection method: clinical testing. Allele origin: germline.
Comment: This missense variant replaces histidine with aspartic acid at codon 477 of the PKP2 protein. Computational prediction suggests that this variant may not impact protein structure and function (internally defined REVEL score threshold <= 0.5, PMID: 27666373). To our knowledge, functional studies have not been reported for this variant. This variant has not been reported in individuals affected with PKP2-related disorders in the literature. This variant has not been identified in the general population by the Genome Aggregation Database (gnomAD). The available evidence is insufficient to determine the role of this variant in disease conclusively. Therefore, this variant is classified as a Variant of Uncertain Significance.

NM_001005242.3(PKP2):c.1379-2058C>G

Gene: PKP2 (plakophilin 2; minus strand). Cytogenetic location: 12p11.21.
Variant type: single nucleotide variant.
Coding change: c.1379-2058C>G on transcript NM_001005242.3 (MANE Select); 2058 bases into the intron before coding-DNA position 1379, C replaced by G.
Molecular consequence: intron variant. On other transcripts: missense variant (2).
Genome position (GRCh38, 1-based): chr12:32,843,263, G>C on the plus strand (C>G on the coding strand, the complement: PKP2 is on the minus strand). VCF-style: chr12-32843263-G-C. GRCh37 (hg19) VCF-style: chr12-32996197-G-C.
Other names: c.1429C>G, p.His477Asp (NM_001407157.1, NM_004572.4); c.1379-2058C>G (NM_001407156.1, NM_001407155.1, NM_001407161.1); c.1052-2058C>G (NM_001407160.1, NM_001407159.1, NM_001407158.1 and 1 more transcripts); short protein forms H477D.
Identifiers: ClinVar variation 3893953 (VCV003893953.1).